The following is an entry in ClinVar:

NM_031407.7(HUWE1):c.1783C>T (p.Pro595Ser)

Gene: HUWE1 (HECT, UBA and WWE domain containing E3 ubiquitin protein ligase 1; minus strand). Cytogenetic location: Xp11.22.
Variant type: single nucleotide variant.
Coding change: c.1783C>T on transcript NM_031407.7 (MANE Select); coding-DNA position 1783, C replaced by T.
Protein change: p.Pro595Ser; replaces proline 595 with serine.
Molecular consequence: missense variant.
Genome position (GRCh38, 1-based): chrX:53,617,144, G>A on the plus strand (C>T on the coding strand, the complement: HUWE1 is on the minus strand). VCF-style: chrX-53617144-G-A. GRCh37 (hg19) VCF-style: chrX-53644105-G-A.
Other names: short protein forms P595S.
Identifiers: ClinVar variation 2506607 (VCV002506607.2), dbSNP rs2527487931, ClinGen allele CA413148390.
Genomic context (GRCh38, chrX:53,617,144, plus strand): 5'-CATTCAAACAGAGTGCACTGAATACATTTGGGAGGGAGCCAAGGACTTCACGGGTAGCAG[G>A]AACCTAAAGAGAAAACAAAGTGAGCTTGAATGCATCTAAAAGAGTGTAGATGCTAGGAAA-3'
Protein context (NP_113584.3, residues 585-605): MLHALLIKDV[Pro595Ser]ATREVLGSLP

ClinVar aggregate classification (germline): Uncertain significance (1 of 4 stars; one submission).

Submission:

GeneDx
Classification: Uncertain significance. Last evaluated: 2026-01-17. Review status: criteria provided, single submitter. Criteria: GeneDx Variant Classification Process June 2021. Collection method: clinical testing. Allele origin: germline. Affected: yes.
Comment: Not observed at significant frequency in large population cohorts (gnomAD); In silico analysis supports that this missense variant has a deleterious effect on protein structure/function; Has not been previously published as pathogenic or benign to our knowledge